The following is an entry in ClinVar:

NM_001018115.3(FANCD2):c.695+1G>A

Genes: FANCD2 (FA complementation group D2; plus strand), LOC107303338 (3p25 FANCD2 Alu-mediated recombination region; plus strand). Cytogenetic location: 3p25.3.
Variant type: single nucleotide variant.
Coding change: c.695+1G>A on transcript NM_001018115.3 (MANE Select); the canonical splice donor site of the intron after coding-DNA position 695, G replaced by A.
Molecular consequence: splice donor variant.
Genome position (GRCh38, 1-based): chr3:10,039,846, G>A. VCF-style: chr3-10039846-G-A. GRCh37 (hg19) VCF-style: chr3-10081530-G-A.
Other names: c.695+1G>A (NM_001319984.2, NM_001374253.1, NM_033084.6 and 2 more transcripts).
Identifiers: ClinVar variation 2738916 (VCV002738916.4), dbSNP rs2470740565, ClinGen allele CA351725370.
Genomic context (GRCh38, chr3:10,039,846, plus strand): 5'-CACCAGCCTACCTGAGATCCTAGGGGATTCCCAGCACGCTGATGTGGGGAAAGAACTCAG[G>A]TGGATAAACCCTCTGTCATCATCTAAGTGAGGCTCAGCTATGGGGGTTCTATCACTGCAG-3'

ClinVar aggregate classification (germline): Likely pathogenic (1 of 4 stars; one submission).
ClinVar aggregate classification (oncogenicity): Likely oncogenic (1 of 4 stars; one submission).

Conditions:
Fanconi anemia (FA). Also called: Fanconi's anemia. Identifiers: Orphanet 84, MedGen C0015625, MeSH D005199, MONDO:0019391.
Neoplasm. Also called: tumor; Neoplasms; Neoplasm (disease). Identifiers: MedGen C0027651, MeSH D009369, MONDO:0005070, HP:0002664.

Submissions (2):

Center for Genomic Medicine, Rigshospitalet, Copenhagen University Hospital
Classification: Likely oncogenic for Neoplasm. Last evaluated: 2025-12-29. Review status: criteria provided, single submitter. Criteria: ClinGen/CGC/VICC Guidelines for Oncogenicity, 2022. Collection method: clinical testing. Allele origin: somatic. Affected: yes.

Labcorp Genetics (formerly Invitae), Labcorp
Classification: Likely pathogenic for Fanconi anemia. Last evaluated: 2024-01-19. Review status: criteria provided, single submitter. Criteria: Invitae Variant Classification Sherloc (09022015). Collection method: clinical testing. Allele origin: germline.
Comment: This sequence change affects a donor splice site in intron 9 of the FANCD2 gene. It is expected to disrupt RNA splicing. Variants that disrupt the donor or acceptor splice site typically lead to a loss of protein function (PMID: 16199547), and loss-of-function variants in FANCD2 are known to be pathogenic (PMID: 17436244). This variant is not present in population databases (gnomAD no frequency). This variant has not been reported in the literature in individuals affected with FANCD2-related conditions. Algorithms developed to predict the effect of sequence changes on RNA splicing suggest that this variant may disrupt the consensus splice site. In summary, the currently available evidence indicates that the variant is pathogenic, but additional data are needed to prove that conclusively. Therefore, this variant has been classified as Likely Pathogenic.

Literature cited by the submitters: PubMed 16199547 (cited by Labcorp Genetics (formerly Invitae), Labcorp); PubMed 17436244 (cited by Labcorp Genetics (formerly Invitae), Labcorp).